The following is an entry in ClinVar:

NM_007194.4(CHEK2):c.1544C>T (p.Pro515Leu)

Gene: CHEK2 (checkpoint kinase 2; minus strand). Cytogenetic location: 22q12.1.
Variant type: single nucleotide variant.
Coding change: c.1544C>T on transcript NM_007194.4 (MANE Select); coding-DNA position 1544, C replaced by T.
Protein change: p.Pro515Leu; replaces proline 515 with leucine.
Molecular consequence: missense variant.
Genome position (GRCh38, 1-based): chr22:28,687,985, G>A on the plus strand (C>T on the coding strand, the complement: CHEK2 is on the minus strand). VCF-style: chr22-28687985-G-A. GRCh37 (hg19) VCF-style: chr22-29083973-G-A.
Other names: c.1673C>T, p.Pro558Leu (NM_001005735.3); c.881C>T, p.Pro294Leu (NM_001257387.3); c.1343C>T, p.Pro448Leu (NM_001349956.3); c.1457C>T, p.Pro486Leu (NM_145862.3); short protein forms P294L, P558L, P486L, P448L, P515L.
Identifiers: ClinVar variation 1035606 (VCV001035606.9), dbSNP rs2052189910, ClinGen allele CA411091490.

ClinVar aggregate classification (germline): Uncertain significance (1 of 4 stars; one submission).

Conditions:
Familial cancer of breast. Also called: Hereditary breast cancer; BREAST CANCER, FAMILIAL; hereditary breast carcinoma. Identifiers: Orphanet 227535, MedGen C0346153, MONDO:0016419, OMIM 114480. Disease mechanism: loss of function.

Submission:

Labcorp Genetics (formerly Invitae), Labcorp
Classification: Uncertain significance for Familial cancer of breast. Last evaluated: 2024-06-19. Review status: criteria provided, single submitter. Criteria: Invitae Variant Classification Sherloc (09022015). Collection method: clinical testing. Allele origin: germline.
Comment: This sequence change replaces proline, which is neutral and non-polar, with leucine, which is neutral and non-polar, at codon 515 of the CHEK2 protein (p.Pro515Leu). This variant is not present in population databases (gnomAD no frequency). This variant has not been reported in the literature in individuals affected with CHEK2-related conditions. ClinVar contains an entry for this variant (Variation ID: 1035606). Algorithms developed to predict the effect of missense changes on protein structure and function output the following: SIFT: "Not Available"; PolyPhen-2: "Benign"; Align-GVGD: "Not Available". The leucine amino acid residue is found in multiple mammalian species, which suggests that this missense change does not adversely affect protein function. In summary, the available evidence is currently insufficient to determine the role of this variant in disease. Therefore, it has been classified as a Variant of Uncertain Significance.